The following is an entry in ClinVar:

NM_145861.4(EDARADD):c.*967A>G

Gene: EDARADD (EDAR associated via death domain; plus strand). Cytogenetic location: 1q43.
Variant type: single nucleotide variant.
Coding change: c.*967A>G on transcript NM_145861.4 (MANE Select); 967 bases downstream of the stop codon, A replaced by G.
Molecular consequence: 3 prime UTR variant.
Genome position (GRCh38, 1-based): chr1:236,483,616, A>G. VCF-style: chr1-236483616-A-G. GRCh37 (hg19) VCF-style: chr1-236646916-A-G.
Other names: c.*967A>G (NM_001422628.1, NM_080738.5).
Identifiers: ClinVar variation 296469 (VCV000296469.6), dbSNP rs193138062, ClinGen allele CA10610446.

ClinVar aggregate classification (germline): Benign (1 of 4 stars; one submission).

Conditions:
Hypohidrotic ectodermal dysplasia (HED). Identifiers: Orphanet 238468, MedGen C5848103, MONDO:0016535, HP:0007607.

Allele frequency attached by ClinVar (database versions not stated): TOPMed 0.00042; gnomAD 0.00036 and 0.00033; 1000 Genomes Project 0.00100; 1000 Genomes Project 30x 0.00109.
gnomAD v4.1: 201 of 1,542,162 alleles (0.013%); highest among the groups gnomAD compares: African/African-American, 0.1%; no homozygotes.

Submission:

Illumina Laboratory Services, Illumina
Classification: Benign for Hypohidrotic ectodermal dysplasia. Last evaluated: 2018-01-13. Review status: criteria provided, single submitter. Criteria: ICSL Variant Classification Criteria 13 December 2019. Collection method: clinical testing. Allele origin: germline.
Comment: This variant was observed in the ICSL laboratory as part of a predisposition screen in an ostensibly healthy population. It had not been previously curated by ICSL or reported in the Human Gene Mutation Database (HGMD: prior to June 1st, 2018), and was therefore a candidate for classification through an automated scoring system. Utilizing variant allele frequency, disease prevalence and penetrance estimates, and inheritance mode, an automated score was calculated to assess if this variant is too frequent to cause the disease. Based on the score and internal cut-off values, a variant classified as benign is not then subjected to further curation. The score for this variant resulted in a classification of benign for this disease.